The following is an entry in ClinVar:

ClinVar aggregate classification (germline): Likely pathogenic (1 of 4 stars; one submission).

Submission:

GeneDx
Classification: Likely pathogenic. Last evaluated: 2017-10-06. Review status: criteria provided, single submitter. Criteria: GeneDx Variant Classification (06012015). Collection method: clinical testing. Allele origin: germline. Affected: yes.
Comment: The N407I variant in the GFAP gene has not been reported previously as a pathogenic variant, nor as a benign variant, to our knowledge. The N407I variant is not observed in large population cohorts (Lek et al., 2016). The N407I variant is a non-conservative amino acid substitution, which is likely to impact secondary protein structure as these residues differ in polarity, charge, size and/or other properties. This substitution occurs at a position where amino acids with similar properties to Asparagine are tolerated across species. In silico analysis is inconsistent in its predictions as to whether or not the variant is damaging to the protein structure/function. We interpret N407I as a likely pathogenic variant.

NM_002055.5(GFAP):c.1220A>T (p.Asn407Ile)

Gene: GFAP (glial fibrillary acidic protein; minus strand). Cytogenetic location: 17q21.31.
Variant type: single nucleotide variant.
Coding change: c.1220A>T on transcript NM_002055.5 (MANE Select); coding-DNA position 1220, A replaced by T.
Protein change: p.Asn407Ile; replaces asparagine 407 with isoleucine.
Molecular consequence: missense variant.
Genome position (GRCh38, 1-based): chr17:44,908,101, T>A on the plus strand (A>T on the coding strand, the complement: GFAP is on the minus strand). VCF-style: chr17-44908101-T-A. GRCh37 (hg19) VCF-style: chr17-42985469-T-A.
Other names: c.1340A>T, p.Asn447Ile (NM_001363846.2); short protein forms N407I, N447I.
Identifiers: ClinVar variation 452662 (VCV000452662.2), dbSNP rs1555573462, ClinGen allele CA399838948.